The following is an entry in ClinVar:

ClinVar aggregate classification (germline): Uncertain significance. Review status: criteria provided, multiple submitters, no conflicts (2 of 4 stars). 2 submissions from 2 submitters: Uncertain significance (2). Last evaluated 2023-09-27.

Conditions:
Inborn genetic diseases. Identifiers: MedGen C0950123, MeSH D030342.
Charcot-Marie-Tooth disease axonal type 2S. Also called: CHARCOT-MARIE-TOOTH NEUROPATHY, TYPE 2S; CHARCOT-MARIE-TOOTH DISEASE, AXONAL, AUTOSOMAL RECESSIVE, TYPE 2S. Identifiers: Orphanet 443073, MedGen C4015349, MONDO:0014511, OMIM 616155.
Autosomal recessive distal spinal muscular atrophy 1. Also called: NEURONOPATHY, DISTAL HEREDITARY MOTOR, HARDING TYPE VI; NEUROPATHY, DISTAL HEREDITARY MOTOR, AUTOSOMAL RECESSIVE 1; HMN VI; NEURONOPATHY, SEVERE INFANTILE AXONAL, WITH RESPIRATORY FAILURE; SEVERE INFANTILE AXONAL NEUROPATHY WITH RESPIRATORY FAILURE; SPINAL MUSCULAR ATROPHY, DIAPHRAGMATIC. Identifiers: Orphanet 98920, MedGen C1858517, MONDO:0011436, OMIM 604320.

Allele frequency attached by ClinVar (database versions not stated): gnomAD 0.00001; TOPMed 0.00002; ExAC 0.00003; gnomAD exomes 0.00005.
gnomAD v4.1: 69 of 1,611,762 alleles (0.0043%); highest among the groups gnomAD compares: Non-Finnish European, 0.0059%; no homozygotes.

Submissions (2):

Ambry Genetics
Classification: Uncertain significance for Inborn genetic diseases. Last evaluated: 2023-09-27. Review status: criteria provided, single submitter. Criteria: Ambry Variant Classification Scheme 2023. Collection method: clinical testing. Allele origin: germline.

Labcorp Genetics (formerly Invitae), Labcorp
Classification: Uncertain significance for Autosomal recessive distal spinal muscular atrophy 1; Charcot-Marie-Tooth disease axonal type 2S. Last evaluated: 2022-09-19. Review status: criteria provided, single submitter. Criteria: Invitae Variant Classification Sherloc (09022015). Collection method: clinical testing. Allele origin: germline.
Comment: This sequence change replaces histidine, which is basic and polar, with tyrosine, which is neutral and polar, at codon 521 of the IGHMBP2 protein (p.His521Tyr). The frequency data for this variant in the population databases is considered unreliable, as metrics indicate poor data quality at this position in the gnomAD database. This variant has not been reported in the literature in individuals affected with IGHMBP2-related conditions. ClinVar contains an entry for this variant (Variation ID: 466579). Algorithms developed to predict the effect of missense changes on protein structure and function (SIFT, PolyPhen-2, Align-GVGD) all suggest that this variant is likely to be disruptive. In summary, the available evidence is currently insufficient to determine the role of this variant in disease. Therefore, it has been classified as a Variant of Uncertain Significance.

NM_002180.3(IGHMBP2):c.1561C>T (p.His521Tyr)

Genes: IGHMBP2 (immunoglobulin mu DNA binding protein 2; plus strand), LOC126861245 (CDK7 strongly-dependent group 2 enhancer GRCh37_chr11:68701479-68702678; plus strand). Cytogenetic location: 11q13.3.
Variant type: single nucleotide variant.
Coding change: c.1561C>T on transcript NM_002180.3 (MANE Select); coding-DNA position 1561, C replaced by T.
Protein change: p.His521Tyr; replaces histidine 521 with tyrosine.
Molecular consequence: missense variant.
Genome position (GRCh38, 1-based): chr11:68,934,487, C>T. VCF-style: chr11-68934487-C-T. GRCh37 (hg19) VCF-style: chr11-68701955-C-T.
Other names: short protein forms H521Y.
Identifiers: ClinVar variation 466579 (VCV000466579.8), dbSNP rs759965718, ClinGen allele CA6153706.